The following is an entry in ClinVar:

ClinVar aggregate classification (germline): Uncertain significance. Review status: criteria provided, multiple submitters, no conflicts (2 of 4 stars). 5 submissions from 5 submitters: Uncertain significance (4). 1 of the submissions does not count toward it. Last evaluated 2024-11-11.

Conditions:
ATP6V1B1-related disorder. Also called: ATP6V1B1-related condition.
Renal tubular acidosis with progressive nerve deafness. Also called: RENAL TUBULAR ACIDOSIS, AUTOSOMAL RECESSIVE, WITH PROGRESSIVE NERVE DEAFNESS; RTA WITH PROGRESSIVE NERVE DEAFNESS; renal tubular acidosis, distal, 2, with progressive sensorineural hearing loss; Distal Renal Tubular Acidosis with Progressive Sensorineural Deafness. Identifiers: MedGen C0403554, MONDO:0009968, OMIM 267300.

Allele frequency attached by ClinVar (database versions not stated): ExAC 0.00002; gnomAD 0.00002; gnomAD exomes 0.00002; TOPMed 0.00003.
gnomAD v4.1: 42 of 1,614,074 alleles (0.0026%); highest among the groups gnomAD compares: Admixed American, 0.0033%; no homozygotes.

Submissions (5):

Blueprint Genetics
Classification: Uncertain significance. Last evaluated: 2024-11-11. Review status: criteria provided, single submitter. Criteria: ACMG Guidelines, 2015. Collection method: clinical testing. Allele origin: germline.

Labcorp Genetics (formerly Invitae), Labcorp
Classification: Uncertain significance. Last evaluated: 2022-09-23. Review status: criteria provided, single submitter. Criteria: Invitae Variant Classification Sherloc (09022015). Collection method: clinical testing. Allele origin: germline.
Comment: This sequence change replaces glycine, which is neutral and non-polar, with arginine, which is basic and polar, at codon 410 of the ATP6V1B1 protein (p.Gly410Arg). This variant is present in population databases (rs782554600, gnomAD 0.003%). This variant has not been reported in the literature in individuals affected with ATP6V1B1-related conditions. ClinVar contains an entry for this variant (Variation ID: 1312811). Advanced modeling of protein sequence and biophysical properties (such as structural, functional, and spatial information, amino acid conservation, physicochemical variation, residue mobility, and thermodynamic stability) performed at Invitae indicates that this missense variant is not expected to disrupt ATP6V1B1 protein function. In summary, the available evidence is currently insufficient to determine the role of this variant in disease. Therefore, it has been classified as a Variant of Uncertain Significance.

Fulgent Genetics
Classification: Uncertain significance for Renal tubular acidosis with progressive nerve deafness. Last evaluated: 2022-05-28. Review status: criteria provided, single submitter. Criteria: ACMG Guidelines, 2015. Collection method: clinical testing. Allele origin: unknown.

GeneDx
Classification: Uncertain significance. Last evaluated: 2020-06-25. Review status: criteria provided, single submitter. Criteria: GeneDx Variant Classification Process June 2021. Collection method: clinical testing. Allele origin: germline. Affected: yes.
Comment: Not observed at a significant frequency in large population cohorts (Lek et al., 2016); In silico analysis supports that this missense variant has a deleterious effect on protein structure/function; Has not been previously published as pathogenic or benign to our knowledge

PreventionGenetics, part of Exact Sciences
Classification: Uncertain significance for ATP6V1B1-related condition. Last evaluated: 2023-10-26. Review status: no assertion criteria provided. Collection method: clinical testing. Allele origin: germline. Not counted in ClinVar's aggregate classification.
Comment: The ATP6V1B1 c.1228G>C variant is predicted to result in the amino acid substitution p.Gly410Arg. To our knowledge, this variant has not been reported in the literature. This variant is reported in 0.0026% of alleles in individuals of European (Non-Finnish) descent in gnomAD. At this time, the clinical significance of this variant is uncertain due to the absence of conclusive functional and genetic evidence.

NM_001692.4(ATP6V1B1):c.1228G>C (p.Gly410Arg)

Gene: ATP6V1B1 (ATPase H+ transporting V1 subunit B1; plus strand). Cytogenetic location: 2p13.3.
Variant type: single nucleotide variant.
Coding change: c.1228G>C on transcript NM_001692.4 (MANE Select); coding-DNA position 1228, G replaced by C.
Protein change: p.Gly410Arg; replaces glycine 410 with arginine.
Molecular consequence: missense variant.
Genome position (GRCh38, 1-based): chr2:70,964,522, G>C. VCF-style: chr2-70964522-G-C. GRCh37 (hg19) VCF-style: chr2-71191652-G-C.
Other names: short protein forms G410R.
Identifiers: ClinVar variation 1312811 (VCV001312811.7), dbSNP rs782554600, ClinGen allele CA1701296.